The following is an entry in ClinVar:

ClinVar aggregate classification (germline): Conflicting classifications of pathogenicity. Review status: criteria provided, conflicting classifications (1 of 4 stars). 6 submissions from 5 submitters: Uncertain significance (4); Likely benign (1). 1 of the submissions does not count toward it. Last evaluated 2025-02-21.

Conditions:
SLC26A4-related disorder. Also called: SLC26A4-related disorders; SLC26A4-related condition.
Autosomal recessive nonsyndromic hearing loss 4 (DFNB4). Also called: Deafness, autosomal recessive 4, with enlarged vestibular aqueduct; Nonsyndromic enlarged vestibular aqueduct (NSEVA); DEAFNESS, AUTOSOMAL RECESSIVE 4, WITH ENLARGED VESTIBULAR AQUEDUCT, DIGENIC; Enlarged vestibular aqueduct, digenic; Deafness, autosomal recessive 4; FOXI1-Related Pendred Syndrome. Identifiers: Orphanet 90636, MedGen C3538946, MONDO:0010933, OMIM 600791.
Pendred syndrome (PDS). Also called: THYROID DYSHORMONOGENESIS 2B; THYROID HORMONOGENESIS, GENETIC DEFECT IN, 2B; DEAFNESS WITH GOITER; GOITER-DEAFNESS SYNDROME; HYPOTHYROIDISM, CONGENITAL, DUE TO DYSHORMONOGENESIS, 2B; Pendred Syndrome (PDS). Identifiers: Orphanet 705, MedGen C0271829, MONDO:0010134, OMIM 274600.

Allele frequency attached by ClinVar (database versions not stated): ExAC 0.00003; ESP Exome Variant Server 0.00008; gnomAD 0.00009 and 0.00010; TOPMed 0.00009.
gnomAD v4.1: 114 of 1,612,226 alleles (0.0071%); highest among the groups gnomAD compares: Non-Finnish European, 0.0088%; no homozygotes.

Submissions (6):

PreventionGenetics, part of Exact Sciences
Classification: Uncertain significance for SLC26A4-related condition. Last evaluated: 2025-02-21. Review status: criteria provided, single submitter. Criteria: ACMG Guidelines, 2015. Collection method: clinical testing. Allele origin: germline.
Comment: The SLC26A4 c.796G>A variant is predicted to result in the amino acid substitution p.Asp266Asn. This variant was reported in absence of second SLC26A4 variant in an individual with Hearing loss and functional study shows no impact on protein function (Dai et al. 2009. PubMed ID: 19509082; Wasano et al. 2019. PubMed ID: 31599023). This variant is reported in 0.0054% of alleles in individuals of European (Non-Finnish) descent in gnomAD. Although we suspect that this variant may be benign, at this time, the clinical significance of this variant is uncertain due to the absence of conclusive functional and genetic evidence.

Genome-Nilou Lab
Classification: Uncertain significance for Autosomal recessive nonsyndromic hearing loss 4. Last evaluated: 2021-09-05. Review status: criteria provided, single submitter. Criteria: ACMG Guidelines, 2015. Collection method: clinical testing. Allele origin: germline. Affected: no.

Genome-Nilou Lab
Classification: Uncertain significance for Pendred syndrome. Last evaluated: 2021-09-05. Review status: criteria provided, single submitter. Criteria: ACMG Guidelines, 2015. Collection method: clinical testing. Allele origin: germline. Affected: no.

Laboratory for Molecular Medicine, Mass General Brigham Personalized Medicine
Classification: Likely benign. Last evaluated: 2017-05-03. Review status: criteria provided, single submitter. Criteria: LMM Criteria. Collection method: clinical testing. Allele origin: germline. Observed: 1 variant allele.
Comment: p.Asp266Asn in exon 7 of SLC26A4: This variant is not expected to have clinical significance due to a lack of conservation across species, including mammals. Of note, >10 mammals have an asparagine (Asn) at this position. It has been identi fied in 7/126120 European chromosomes by the Genome Aggregation Database (gnomAD; dbSNP rs138462416).

ARUP Laboratories, Molecular Genetics and Genomics, ARUP Laboratories
Classification: Uncertain significance. Last evaluated: 2016-12-29. Review status: criteria provided, single submitter. Criteria: ARUP Molecular Germline Variant Investigation Process. Collection method: clinical testing. Allele origin: germline.

National Institute of Sensory Organs, National Hospital Organization Tokyo Medical Center
Classification: other for Autosomal recessive nonsyndromic hearing loss 4. Last evaluated: 2019-08-20. Review status: no assertion criteria provided. Collection method: literature only, in vitro. Allele origin: germline. Inheritance: Autosomal recessive inheritance. Affected: yes. Functional consequence: functionally_normal. Not counted in ClinVar's aggregate classification.
Comment: Benign effect in vitro experiment

Literature cited by the submitters: PubMed 19509082 (cited by Laboratory for Molecular Medicine, Mass General Brigham Personalized Medicine and National Institute of Sensory Organs, National Hospital Organization Tokyo Medical Center); PubMed 31599023 (cited by National Institute of Sensory Organs, National Hospital Organization Tokyo Medical Center).

NM_000441.2(SLC26A4):c.796G>A (p.Asp266Asn)

Gene: SLC26A4 (solute carrier family 26 member 4; plus strand). Cytogenetic location: 7q22.3.
Variant type: single nucleotide variant.
Coding change: c.796G>A on transcript NM_000441.2 (MANE Select); coding-DNA position 796, G replaced by A.
Protein change: p.Asp266Asn; replaces aspartic acid 266 with asparagine.
Molecular consequence: missense variant.
Genome position (GRCh38, 1-based): chr7:107,683,232, G>A. VCF-style: chr7-107683232-G-A. GRCh37 (hg19) VCF-style: chr7-107323677-G-A.
Other names: short protein forms D266N.
Identifiers: ClinVar variation 440275 (VCV000440275.21), dbSNP rs138462416, ClinGen allele CA4432585.